The following is an entry in ClinVar:

NM_052859.4(RFT1):c.7A>G (p.Ser3Gly)

Genes: RFT1 (RFT1 glycolipid translocator homolog; minus strand), LOC129936883 (ATAC-STARR-seq lymphoblastoid active region 19954; plus strand). Cytogenetic location: 3p21.1.
Variant type: single nucleotide variant.
Coding change: c.7A>G on transcript NM_052859.4 (MANE Select); coding-DNA position 7, A replaced by G.
Protein change: p.Ser3Gly; replaces serine 3 with glycine.
Molecular consequence: missense variant.
Genome position (GRCh38, 1-based): chr3:53,130,394, T>C on the plus strand (A>G on the coding strand, the complement: RFT1 is on the minus strand). VCF-style: chr3-53130394-T-C. GRCh37 (hg19) VCF-style: chr3-53164410-T-C.
Other names: short protein forms S3G.
Identifiers: ClinVar variation 1493755 (VCV001493755.5), dbSNP rs1201237484, ClinGen allele CA353225338.
Genomic context (GRCh38, chr3:53,130,394, plus strand): 5'-GTACCTGCAGGAGGAGACCGGAGGAGGCCAGCCGGGCCGCGTGGCCCAGCACCTCCTGGC[T>C]GCCCATAGCCTCCGCGCCAGGCTCAGACACCAGGAAATGCCGCCGCCACTCCGTTTAGTC-3'
Protein context (NP_443091.1, residues 1-13): MG[Ser3Gly]QEVLGHAARL

ClinVar aggregate classification (germline): Uncertain significance (1 of 4 stars; one submission).

Conditions:
RFT1-congenital disorder of glycosylation (CDG1N). Also called: CDG In; Congenital disorder of glycosylation type In; RFT1-CDG. Identifiers: Orphanet 244310, MedGen C2677590, MONDO:0012783, OMIM 612015.

Allele frequency attached by ClinVar (database versions not stated): gnomAD exomes below 0.00001.
gnomAD v4.1: 4 of 1,554,960 alleles (0.00026%); highest among the groups gnomAD compares: Non-Finnish European, 0.00035%; no homozygotes.

Submission:

Labcorp Genetics (formerly Invitae), Labcorp
Classification: Uncertain significance for RFT1-congenital disorder of glycosylation. Last evaluated: 2021-09-17. Review status: criteria provided, single submitter. Criteria: Invitae Variant Classification Sherloc (09022015). Collection method: clinical testing. Allele origin: germline.
Comment: This sequence change replaces serine with glycine at codon 3 of the RFT1 protein (p.Ser3Gly). The serine residue is moderately conserved and there is a small physicochemical difference between serine and glycine. This variant is not present in population databases (ExAC no frequency). This variant has not been reported in the literature in individuals with RFT1-related conditions. Algorithms developed to predict the effect of missense changes on protein structure and function output the following: SIFT: "Tolerated"; PolyPhen-2: "Benign"; Align-GVGD: "Class C0". The glycine amino acid residue is found in multiple mammalian species, suggesting that this missense change does not adversely affect protein function. These predictions have not been confirmed by published functional studies and their clinical significance is uncertain. In summary, the available evidence is currently insufficient to determine the role of this variant in disease. Therefore, it has been classified as a Variant of Uncertain Significance.